The following is an entry in ClinVar:

NM_031483.7(ITCH):c.785C>A (p.Ser262Tyr)

Gene: ITCH (itchy E3 ubiquitin protein ligase; plus strand). Cytogenetic location: 20q11.22.
Variant type: single nucleotide variant.
Coding change: c.785C>A on transcript NM_031483.7 (MANE Select); coding-DNA position 785, C replaced by A.
Protein change: p.Ser262Tyr; replaces serine 262 with tyrosine.
Molecular consequence: missense variant.
Genome position (GRCh38, 1-based): chr20:34,440,260, C>A. VCF-style: chr20-34440260-C-A. GRCh37 (hg19) VCF-style: chr20-33028065-C-A.
Other names: c.908C>A, p.Ser303Tyr (NM_001257137.3, NM_001324197.2); c.455C>A, p.Ser152Tyr (NM_001257138.3); c.785C>A, p.Ser262Tyr (NM_001324198.2); short protein forms S262Y, S152Y, S303Y.
Identifiers: ClinVar variation 1474047 (VCV001474047.6), dbSNP rs1188964083, ClinGen allele CA408663214.

ClinVar aggregate classification (germline): Uncertain significance (1 of 4 stars; one submission).

Conditions:
Syndromic multisystem autoimmune disease due to ITCH deficiency. Also called: AUTOIMMUNE DISEASE, MULTISYSTEM, WITH FACIAL DYSMORPHISM. Identifiers: MedGen C3150649, MONDO:0013245, OMIM 613385, Orphanet 228426.

Allele frequency attached by ClinVar (database versions not stated): gnomAD exomes below 0.00001.

Submission:

Labcorp Genetics (formerly Invitae), Labcorp
Classification: Uncertain significance for Syndromic multisystem autoimmune disease due to ITCH deficiency. Last evaluated: 2021-05-07. Review status: criteria provided, single submitter. Criteria: Invitae Variant Classification Sherloc (09022015). Collection method: clinical testing. Allele origin: germline.
Comment: In summary, the available evidence is currently insufficient to determine the role of this variant in disease. Therefore, it has been classified as a Variant of Uncertain Significance. Algorithms developed to predict the effect of missense changes on protein structure and function are either unavailable or do not agree on the potential impact of this missense change (SIFT: "Not Available"; PolyPhen-2: "Benign"; Align-GVGD: "Not Available"). This variant has not been reported in the literature in individuals with ITCH-related conditions. This variant is not present in population databases (ExAC no frequency). This sequence change replaces serine with tyrosine at codon 262 of the ITCH protein (p.Ser262Tyr). The serine residue is weakly conserved and there is a large physicochemical difference between serine and tyrosine.